The following is an entry in ClinVar:

ClinVar aggregate classification (germline): Uncertain significance. Review status: criteria provided, multiple submitters, no conflicts (2 of 4 stars). 2 submissions from 2 submitters: Uncertain significance (2). Last evaluated 2023-12-20.

Conditions:
Inborn genetic diseases. Identifiers: MedGen C0950123, MeSH D030342.

Allele frequency attached by ClinVar (database versions not stated): gnomAD exomes below 0.00001; ExAC 0.00001.
gnomAD v4.1: 5 of 1,614,030 alleles (0.00031%); highest among the groups gnomAD compares: African/African-American, 0.0067%; no homozygotes.

Submissions (2):

Ambry Genetics
Classification: Uncertain significance for Inborn genetic diseases. Last evaluated: 2023-12-20. Review status: criteria provided, single submitter. Criteria: Ambry Variant Classification Scheme 2023. Collection method: clinical testing. Allele origin: germline.

Labcorp Genetics (formerly Invitae), Labcorp
Classification: Uncertain significance. Last evaluated: 2022-04-01. Review status: criteria provided, single submitter. Criteria: Invitae Variant Classification Sherloc (09022015). Collection method: clinical testing. Allele origin: germline.
Comment: In summary, the available evidence is currently insufficient to determine the role of this variant in disease. Therefore, it has been classified as a Variant of Uncertain Significance. Advanced modeling of protein sequence and biophysical properties (such as structural, functional, and spatial information, amino acid conservation, physicochemical variation, residue mobility, and thermodynamic stability) performed at Invitae indicates that this missense variant is not expected to disrupt LRP2 protein function. This variant has not been reported in the literature in individuals affected with LRP2-related conditions. This variant is present in population databases (rs758325460, gnomAD 0.01%). This sequence change replaces asparagine, which is neutral and polar, with tyrosine, which is neutral and polar, at codon 2388 of the LRP2 protein (p.Asn2388Tyr).

NM_004525.3(LRP2):c.7162A>T (p.Asn2388Tyr)

Gene: LRP2 (LDL receptor related protein 2; minus strand). Cytogenetic location: 2q31.1.
Variant type: single nucleotide variant.
Coding change: c.7162A>T on transcript NM_004525.3 (MANE Select); coding-DNA position 7162, A replaced by T.
Protein change: p.Asn2388Tyr; replaces asparagine 2388 with tyrosine.
Molecular consequence: missense variant.
Genome position (GRCh38, 1-based): chr2:169,206,558, T>A on the plus strand (A>T on the coding strand, the complement: LRP2 is on the minus strand). VCF-style: chr2-169206558-T-A. GRCh37 (hg19) VCF-style: chr2-170063068-T-A.
Other names: c.7162A>T (NM_004525.2); short protein forms N2388Y.
Identifiers: ClinVar variation 2181166 (VCV002181166.5), dbSNP rs758325460, ClinGen allele CA1954157.
Genomic context (GRCh38, chr2:169,206,558, plus strand): 5'-GGTTTTCAGGGTCCAAGTGTAAGCTTCTCAAGGAATTAGACAAGGCAAAGATGAGGAAAT[T>A]TTCTGTTGAAATGGCACAATTCTTGCCATCACTTTGCAGGGTCCCAAAGGCACAGTCACA-3'
Protein context (NP_004516.2, residues 2378-2398): DGKNCAISTE[Asn2388Tyr]FLIFALSNSL